The following is an entry in ClinVar:

NM_002087.4(GRN):c.1001C>T (p.Thr334Ile)

Gene: GRN (granulin precursor; plus strand). Cytogenetic location: 17q21.31.
Variant type: single nucleotide variant.
Coding change: c.1001C>T on transcript NM_002087.4 (MANE Select); coding-DNA position 1001, C replaced by T.
Protein change: p.Thr334Ile; replaces threonine 334 with isoleucine.
Molecular consequence: missense variant.
Genome position (GRCh38, 1-based): chr17:44,351,617, C>T. VCF-style: chr17-44351617-C-T. GRCh37 (hg19) VCF-style: chr17-42428985-C-T.
Other names: short protein forms T334I.
Identifiers: ClinVar variation 1961872 (VCV001961872.5), dbSNP rs2048375170, ClinGen allele CA399765243.

ClinVar aggregate classification (germline): Uncertain significance (1 of 4 stars; one submission).

Conditions:
Neuronal ceroid lipofuscinosis 11. Also called: GRN-Related Neuronal Ceroid-Lipofuscinosis. Identifiers: Orphanet 314629, Orphanet 79262, MedGen C3539123, MONDO:0013866, OMIM 614706.
GRN-related frontotemporal lobar degeneration with Tdp43 inclusions (FTD2). Also called: GRN Frontotemporal Dementia; FRONTOTEMPORAL DEMENTIA WITH TDP43 INCLUSIONS, GRN-RELATED; DEMENTIA, HEREDITARY DYSPHASIC DISINHIBITION; FRONTOTEMPORAL LOBAR DEGENERATION WITH UBIQUITIN-POSITIVE INCLUSIONS; FTLD-TDP, GRN-RELATED. Identifiers: Orphanet 100070, Orphanet 282, MedGen C1843792, MONDO:0011842, OMIM 607485. Disease mechanism: loss of function.

Allele frequency attached by ClinVar (database versions not stated): gnomAD exomes below 0.00001.

Submission:

Labcorp Genetics (formerly Invitae), Labcorp
Classification: Uncertain significance for Neuronal ceroid lipofuscinosis 11; GRN-related frontotemporal lobar degeneration with Tdp43 inclusions. Last evaluated: 2021-12-27. Review status: criteria provided, single submitter. Criteria: Invitae Variant Classification Sherloc (09022015). Collection method: clinical testing. Allele origin: germline.
Comment: Algorithms developed to predict the effect of missense changes on protein structure and function output the following: SIFT: "Tolerated"; PolyPhen-2: "Benign"; Align-GVGD: "Class C0". The isoleucine amino acid residue is found in multiple mammalian species, which suggests that this missense change does not adversely affect protein function. This sequence change replaces threonine, which is neutral and polar, with isoleucine, which is neutral and non-polar, at codon 334 of the GRN protein (p.Thr334Ile). This variant is not present in population databases (gnomAD no frequency). This variant has not been reported in the literature in individuals affected with GRN-related conditions. In summary, the available evidence is currently insufficient to determine the role of this variant in disease. Therefore, it has been classified as a Variant of Uncertain Significance.